The following is an entry in ClinVar:

ClinVar aggregate classification (germline): Likely benign. Review status: criteria provided, multiple submitters, no conflicts (2 of 4 stars). 4 submissions from 4 submitters: Likely benign (4). Last evaluated 2025-09-23.

Conditions:
Arrhythmogenic right ventricular dysplasia 12. Also called: ARRHYTHMOGENIC RIGHT VENTRICULAR DYSPLASIA, FAMILIAL, 12. Identifiers: MedGen C1969081, MONDO:0012684, OMIM 611528.
Naxos disease (NXD). Also called: CARDIOMYOPATHY, ARRHYTHMOGENIC RIGHT VENTRICULAR, WITH SKIN, HAIR, AND NAIL ABNORMALITIES; KERATOSIS PALMOPLANTARIS WITH ARRHYTHMOGENIC CARDIOMYOPATHY; MAL DE NAXOS; PALMOPLANTAR KERATODERMA WITH ARRHYTHMOGENIC RIGHT VENTRICULAR CARDIOMYOPATHY AND WOOLLY HAIR; WOOLLY HAIR, PALMOPLANTAR KERATODERMA, AND CARDIAC ABNORMALITIES. Identifiers: Orphanet 34217, MedGen C1832600, MONDO:0011017, OMIM 601214.

Allele frequency attached by ClinVar (database versions not stated): TOPMed 0.00004; 1000 Genomes Project 30x 0.00031; 1000 Genomes Project 0.00040.
gnomAD v4.1: 34 of 1,606,170 alleles (0.0021%); highest among the groups gnomAD compares: Middle Eastern, 0.1%; no homozygotes.

Submissions (4):

Labcorp Genetics (formerly Invitae), Labcorp
Classification: Likely benign for Arrhythmogenic right ventricular dysplasia 12; Naxos disease. Last evaluated: 2025-09-23. Review status: criteria provided, single submitter. Criteria: Invitae Variant Classification Sherloc (09022015). Collection method: clinical testing. Allele origin: germline.

ARUP Laboratories, Molecular Genetics and Genomics, ARUP Laboratories
Classification: Likely benign. Last evaluated: 2024-11-12. Review status: criteria provided, single submitter. Criteria: ARUP Molecular Germline Variant Investigation Process 2024. Collection method: clinical testing. Allele origin: germline.

Blueprint Genetics
Classification: Likely benign. Last evaluated: 2021-12-16. Review status: criteria provided, single submitter. Criteria: ACMG Guidelines, 2015. Collection method: clinical testing. Allele origin: germline.

Laboratory for Molecular Medicine, Mass General Brigham Personalized Medicine
Classification: Likely benign. Last evaluated: 2014-07-23. Review status: criteria provided, single submitter. Criteria: LMM Criteria. Collection method: clinical testing. Allele origin: germline. Observed: 2 variant alleles.
Comment: 1159-13C>T in intron 8 of JUP: This variant is not expected to have clinical sig nificance because a C>T change at this position does not diverge from the splice consensus sequence and is therefore unlikely to impact splicing. 1159-13C>T i n intron 8 of JUP (allele frequency = n/a)

NM_002230.4(JUP):c.1159-13C>T

Gene: JUP (junction plakoglobin; minus strand). Cytogenetic location: 17q21.2.
Variant type: single nucleotide variant.
Coding change: c.1159-13C>T on transcript NM_002230.4 (MANE Select); 13 bases into the intron before coding-DNA position 1159, C replaced by T.
Molecular consequence: intron variant.
Genome position (GRCh38, 1-based): chr17:41,763,334, G>A on the plus strand (C>T on the coding strand, the complement: JUP is on the minus strand). VCF-style: chr17-41763334-G-A. GRCh37 (hg19) VCF-style: chr17-39919586-G-A.
Other names: c.1159-13C>T (NM_001352774.2, NM_021991.4, NM_001352776.2 and 3 more transcripts).
Identifiers: ClinVar variation 45831 (VCV000045831.17), dbSNP rs201627219, ClinGen allele CA137123.